The following is an entry in ClinVar:

ClinVar aggregate classification (germline): Pathogenic. Review status: criteria provided, multiple submitters, no conflicts (2 of 4 stars). 2 submissions from 2 submitters: Pathogenic (2). Last evaluated 2022-07-23.

Submissions (2):

Labcorp Genetics (formerly Invitae), Labcorp
Classification: Pathogenic. Last evaluated: 2022-07-23. Review status: criteria provided, single submitter. Criteria: Invitae Variant Classification Sherloc (09022015). Collection method: clinical testing. Allele origin: germline.
Comment: For these reasons, this variant has been classified as Pathogenic. This variant has not been reported in the literature in individuals affected with EPHB4-related conditions. This variant is not present in population databases (gnomAD no frequency). This sequence change creates a premature translational stop signal (p.Thr693Argfs*65) in the EPHB4 gene. It is expected to result in an absent or disrupted protein product. Loss-of-function variants in EPHB4 are known to be pathogenic (PMID: 28687708).

ARUP Laboratories, Molecular Genetics and Genomics, ARUP Laboratories
Classification: Pathogenic. Review status: criteria provided, single submitter. Criteria: ARUP Molecular Germline Variant Investigation Process 2024. Collection method: clinical testing. Allele origin: germline.
Comment: The EPHB4 c.2078_2079del; p.Thr693ArgfsTer65 variant, to our knowledge, is not reported in the medical literature but is reported in ClinVar (Variation ID: 2019271). This variant is absent from the Genome Aggregation Database (v2.1.1), indicating it is not a common polymorphism. This variant causes a frameshift by deleting two nucleotides, so it is predicted to result in a truncated protein or mRNA subject to nonsense-mediated decay. Based on available information, this variant is considered to be pathogenic.

Literature cited by the submitters: PubMed 28687708 (cited by Labcorp Genetics (formerly Invitae), Labcorp).

NM_004444.5(EPHB4):c.2078_2079del (p.Thr693fs)

Gene: EPHB4 (EPH receptor B4; minus strand). Cytogenetic location: 7q22.1.
Variant type: Microsatellite.
Coding change: c.2078_2079del on transcript NM_004444.5 (MANE Select); coding-DNA positions 2078 to 2079, 2 bases deleted (CA; older notation c.2078_2079delCA).
Protein change: p.Thr693fs; shifts the reading frame from threonine 693.
Molecular consequence: frameshift variant.
Genome position (GRCh38, 1-based): chr7:100,812,786-100,812,787, TG deleted on the plus strand (CA on the coding strand, the reverse complement: EPHB4 is on the minus strand); deleting any 2 consecutive bases within chr7:100,812,786-100,812,789 gives the same sequence; the c. name uses the placement nearest the transcript's 3' end. VCF-style (leftmost placement, unchanged base first): chr7-100812785-CTG-C. GRCh37 (hg19) VCF-style: chr7-100410407-CTG-C.
Other names: short protein forms T693fs.
Identifiers: ClinVar variation 2019271 (VCV002019271.5), dbSNP rs2485016159, ClinGen allele CA2578966319.
Genomic context (GRCh38, chr7:100,812,785, plus strand): 5'-AGAAGCCAGGGAGGGTGCTCACCCGCAGGAAGGAGTCCAGGGCGCCGTTCTCCATGAACT[CTG>C]TGAGAATCATGACGGGCATGCTGTTGGTGACCACGCCCTCCAGGCGGATGATATTGGGGT-3'